The following is an entry in ClinVar:

ClinVar aggregate classification (germline): Uncertain significance. Review status: criteria provided, multiple submitters, no conflicts (2 of 4 stars). 2 submissions from 2 submitters: Uncertain significance (2). Last evaluated 2026-07-11.

Conditions:
EXOC2-related disorder. Also called: EXOC2-related condition.

Allele frequency attached by ClinVar (database versions not stated): gnomAD 0.00002; TOPMed 0.00002.
gnomAD v4.1: 36 of 1,612,372 alleles (0.0022%); highest among the groups gnomAD compares: Admixed American, 0.0033%; no homozygotes.

Submissions (2):

PreventionGenetics, part of Exact Sciences
Classification: Uncertain significance for EXOC2-related condition. Last evaluated: 2026-07-11. Review status: criteria provided, single submitter. Criteria: ACMG Guidelines, 2015. Collection method: clinical testing. Allele origin: germline.
Comment: The EXOC2 c.2236C>A variant is predicted to result in the amino acid substitution p.Gln746Lys. To our knowledge, this variant has not been reported in the literature. This variant is reported in 0.0046% of alleles in individuals of European (Non-Finnish) descent in gnomAD. At this time, the clinical significance of this variant is uncertain due to the absence of conclusive functional and genetic evidence.

Ambry Genetics
Classification: Uncertain significance. Last evaluated: 2021-08-12. Review status: criteria provided, single submitter. Criteria: Ambry Variant Classification Scheme 2023. Collection method: clinical testing. Allele origin: germline.

NM_018303.6(EXOC2):c.2236C>A (p.Gln746Lys)

Gene: EXOC2 (exocyst complex component 2; minus strand). Cytogenetic location: 6p25.3.
Variant type: single nucleotide variant.
Coding change: c.2236C>A on transcript NM_018303.6 (MANE Select); coding-DNA position 2236, C replaced by A.
Protein change: p.Gln746Lys; replaces glutamine 746 with lysine.
Molecular consequence: missense variant. On other transcripts: non-coding transcript variant (1).
Genome position (GRCh38, 1-based): chr6:549,177, G>T on the plus strand (C>A on the coding strand, the complement: EXOC2 is on the minus strand). VCF-style: chr6-549177-G-T. GRCh37 (hg19) VCF-style: chr6-549177-G-T.
Other names: c.2236C>A (NM_018303.5); short protein forms Q746K.
Identifiers: ClinVar variation 2385791 (VCV002385791.3), dbSNP rs757060314, ClinGen allele CA3613245.